The following is an entry in ClinVar:

NM_024685.4(BBS10):c.1949del (p.Gly650fs)

Gene: BBS10 (Bardet-Biedl syndrome 10; minus strand). Cytogenetic location: 12q21.2.
Variant type: Deletion.
Coding change: c.1949del on transcript NM_024685.4 (MANE Select); coding-DNA position 1949, one base deleted (G; older notation c.1949delG).
Protein change: p.Gly650fs; shifts the reading frame from glycine 650.
Molecular consequence: frameshift variant.
Genome position (GRCh38, 1-based): chr12:76,346,036, C deleted on the plus strand (G on the coding strand, the reverse complement: BBS10 is on the minus strand); the first of 2 consecutive C bases (chr12:76,346,036-76,346,037); deleting either gives the same sequence. VCF-style (leftmost placement, unchanged base first): chr12-76346035-TC-T. GRCh37 (hg19) VCF-style: chr12-76739815-TC-T.
Other names: c.1949del (NM_024685.3); c.1949del, p.Gly650fs (LRG_1255t1); short protein forms G650fs.
Identifiers: ClinVar variation 550352 (VCV000550352.20), dbSNP rs769028262, ClinGen allele CA6694075.

ClinVar aggregate classification (germline): Pathogenic/Likely pathogenic. Review status: criteria provided, multiple submitters, no conflicts (2 of 4 stars). 3 submissions from 3 submitters: Pathogenic (1); Likely pathogenic (1). 1 of the submissions does not count toward it. Last evaluated 2023-11-08.

Conditions:
Bardet-Biedl syndrome 10 (BBS10). Identifiers: Orphanet 110, MedGen C1859568, MONDO:0014438, OMIM 615987.
Bardet-Biedl syndrome (BBS). Identifiers: Orphanet 110, MedGen C0752166, MONDO:0015229.

Submissions (3):

Labcorp Genetics (formerly Invitae), Labcorp
Classification: Pathogenic for Bardet-Biedl syndrome. Last evaluated: 2023-11-08. Review status: criteria provided, single submitter. Criteria: Invitae Variant Classification Sherloc (09022015). Collection method: clinical testing. Allele origin: germline.
Comment: This sequence change creates a premature translational stop signal (p.Gly650Glufs*10) in the BBS10 gene. While this is not anticipated to result in nonsense mediated decay, it is expected to disrupt the last 74 amino acid(s) of the BBS10 protein. This variant is present in population databases (rs769028262, gnomAD 0.01%). This variant has not been reported in the literature in individuals affected with BBS10-related conditions. ClinVar contains an entry for this variant (Variation ID: 550352). This variant disrupts a region of the BBS10 protein in which other variant(s) (p.Val707*) have been determined to be pathogenic (PMID: 20472660, 25982971, 27486776). This suggests that this is a clinically significant region of the protein, and that variants that disrupt it are likely to be disease-causing. For these reasons, this variant has been classified as Pathogenic.

Juno Genomics, Hangzhou Juno Genomics, Inc
Classification: Likely pathogenic for Bardet-Biedl syndrome 10. Review status: criteria provided, single submitter. Criteria: ACMG Guidelines, 2015. Collection method: clinical testing. Allele origin: germline.
Comment: Absent from controls (or at extremely low frequency if recessive) in Genome Aggregation Database.;Null variant in a gene where loss of function (LOF) is a known mechanism of disease.;Patient's phenotype or family history is highly specific for a disease with a single genetic etiology.

Counsyl
Classification: Likely pathogenic for Bardet-Biedl syndrome 10. Last evaluated: 2017-01-11. Review status: no assertion criteria provided. Collection method: clinical testing. Allele origin: unknown. Not counted in ClinVar's aggregate classification.

Literature cited by the submitters: PubMed 20472660 (cited by Labcorp Genetics (formerly Invitae), Labcorp); PubMed 25982971 (cited by Labcorp Genetics (formerly Invitae), Labcorp); PubMed 27486776 (cited by Labcorp Genetics (formerly Invitae), Labcorp).